The following is an entry in ClinVar:

ClinVar aggregate classification (germline): Pathogenic. Review status: criteria provided, multiple submitters, no conflicts (2 of 4 stars). 3 submissions from 3 submitters: Pathogenic (2). 1 of the submissions does not count toward it. Last evaluated 2024-08-02.

Conditions:
Tuberous sclerosis syndrome (TSC). Also called: Tuberous Sclerosis Complex; Tuberous sclerosis. Identifiers: Orphanet 805, MedGen C0041341, MONDO:0001734.
Tuberous sclerosis 1 (TSC1). Identifiers: Orphanet 805, MedGen C1854465, MONDO:0008612, OMIM 191100.

Submissions (3):

Dasa
Classification: Pathogenic. Last evaluated: 2024-08-02. Review status: criteria provided, single submitter. Criteria: DASA Assertion Criteria. Collection method: clinical testing. Allele origin: germline.
Comment: NM_000368.5(TSC1):c.2250G>A (p.Trp750*) introduces a premature termination codon predicted to result in loss of normal protein function. Loss-of-function is an established mechanism of disease for this gene. Based on the available data, this variant is classified as pathogenic.

Labcorp Genetics (formerly Invitae), Labcorp
Classification: Pathogenic for Tuberous sclerosis 1. Last evaluated: 2023-07-29. Review status: criteria provided, single submitter. Criteria: Invitae Variant Classification Sherloc (09022015). Collection method: clinical testing. Allele origin: germline.
Comment: This sequence change creates a premature translational stop signal (p.Trp750*) in the TSC1 gene. It is expected to result in an absent or disrupted protein product. Loss-of-function variants in TSC1 are known to be pathogenic (PMID: 10227394, 17304050). For these reasons, this variant has been classified as Pathogenic. ClinVar contains an entry for this variant (Variation ID: 48923). This premature translational stop signal has been observed in individual(s) with tuberous sclerosis (PMID: 10205261, 29196670). This variant is not present in population databases (gnomAD no frequency).

Tuberous sclerosis database (TSC1)
No classification provided. Condition: TSC. Review status: no classification provided. Criteria: Tuberous Sclerosis Database Assertion Criteria 2015. Collection method: curation. Allele origin: germline. Affected: yes. Not counted in ClinVar's aggregate classification.

Literature cited by the submitters: PubMed 10227394 (cited by Labcorp Genetics (formerly Invitae), Labcorp); PubMed 17304050 (cited by Labcorp Genetics (formerly Invitae), Labcorp); PubMed 10205261 (cited by Labcorp Genetics (formerly Invitae), Labcorp); PubMed 29196670 (cited by Labcorp Genetics (formerly Invitae), Labcorp).

NM_000368.5(TSC1):c.2250G>A (p.Trp750Ter)

Gene: TSC1 (TSC complex subunit 1; minus strand). Cytogenetic location: 9q34.13.
Variant type: single nucleotide variant.
Coding change: c.2250G>A on transcript NM_000368.5 (MANE Select); coding-DNA position 2250, G replaced by A.
Protein change: p.Trp750Ter; replaces tryptophan 750 with a stop codon.
Molecular consequence: nonsense.
Genome position (GRCh38, 1-based): chr9:132,902,746, C>T on the plus strand (G>A on the coding strand, the complement: TSC1 is on the minus strand). VCF-style: chr9-132902746-C-T. GRCh37 (hg19) VCF-style: chr9-135778133-C-T.
Other names: c.2247G>A, p.Trp749Ter (NM_001162426.2); c.2097G>A, p.Trp699Ter (NM_001162427.2); c.1887G>A, p.Trp629Ter (NM_001362177.2); short protein forms W750*, W699*, W629*, W749*.
Identifiers: ClinVar variation 48923 (VCV000048923.7), dbSNP rs118203663, ClinGen allele CA006184.